The following is an entry in ClinVar:

ClinVar aggregate classification (germline): Likely pathogenic. Review status: criteria provided, multiple submitters, no conflicts (2 of 4 stars). 2 submissions from 2 submitters: Likely pathogenic (2). Last evaluated 2024-03-07.

Conditions:
CCDC114-related disorders.
Primary ciliary dyskinesia. Also called: Ciliary dyskinesia. Identifiers: Orphanet 244, MedGen C0008780, MONDO:0016575, HP:0012265.

Allele frequency attached by ClinVar (database versions not stated): gnomAD exomes below 0.00001; gnomAD 0.00001; TOPMed 0.00001.

Submissions (2):

Blueprint Genetics
Classification: Likely pathogenic for CCDC114-related disorders. Last evaluated: 2024-03-07. Review status: criteria provided, single submitter. Criteria: ACMG Guidelines, 2015. Collection method: clinical testing. Allele origin: germline. Affected: yes. Observed: 4 variant alleles.

Labcorp Genetics (formerly Invitae), Labcorp
Classification: Likely pathogenic for Primary ciliary dyskinesia. Last evaluated: 2023-07-28. Review status: criteria provided, single submitter. Criteria: Invitae Variant Classification Sherloc (09022015). Collection method: clinical testing. Allele origin: germline.
Comment: In summary, the currently available evidence indicates that the variant is pathogenic, but additional data are needed to prove that conclusively. Therefore, this variant has been classified as Likely Pathogenic. Algorithms developed to predict the effect of sequence changes on RNA splicing suggest that this variant may disrupt the consensus splice site. This variant has not been reported in the literature in individuals affected with CCDC114-related conditions. This variant is not present in population databases (gnomAD no frequency). This sequence change affects an acceptor splice site in intron 12 of the CCDC114 gene. It is expected to disrupt RNA splicing. Variants that disrupt the donor or acceptor splice site typically lead to a loss of protein function (PMID: 16199547), and loss-of-function variants in CCDC114 are known to be pathogenic (PMID: 23261302, 23261303).

Literature cited by the submitters: PubMed 16199547 (cited by Labcorp Genetics (formerly Invitae), Labcorp); PubMed 23261302 (cited by Labcorp Genetics (formerly Invitae), Labcorp); PubMed 23261303 (cited by Labcorp Genetics (formerly Invitae), Labcorp).

NM_001364171.2(ODAD1):c.1503-2A>G

Gene: ODAD1 (outer dynein arm docking complex subunit 1; minus strand). Cytogenetic location: 19q13.33.
Variant type: single nucleotide variant.
Coding change: c.1503-2A>G on transcript NM_001364171.2 (MANE Select); the canonical splice acceptor site of the intron before coding-DNA position 1503, A replaced by G.
Molecular consequence: splice acceptor variant.
Genome position (GRCh38, 1-based): chr19:48,297,670, T>C on the plus strand (A>G on the coding strand, the complement: ODAD1 is on the minus strand). VCF-style: chr19-48297670-T-C. GRCh37 (hg19) VCF-style: chr19-48800927-T-C.
Other names: c.1392-2A>G (NM_144577.4).
Identifiers: ClinVar variation 2851020 (VCV002851020.4), dbSNP rs926750246, ClinGen allele CA309294196.
Genomic context (GRCh38, chr19:48,297,670, plus strand): 5'-GCAGCTCCTCCCTGCTCATGGGGTAGTCATCGCTGGCCTCAAAACCCGGGGGGTCTTCTC[T>C]GGGGAGGGGAAGGAAAATTGGAAAAGACTAGACCTCAGCCCTCAAAAAGGCCAGCGGCCC-3'